The following is an entry in ClinVar:

NM_021871.4(FGA):c.1718G>A (p.Arg573His)

Gene: FGA (fibrinogen alpha chain; minus strand). Cytogenetic location: 4q31.3.
Variant type: single nucleotide variant.
Coding change: c.1718G>A on transcript NM_021871.4 (MANE Select); coding-DNA position 1718, G replaced by A.
Protein change: p.Arg573His; replaces arginine 573 with histidine.
Molecular consequence: missense variant.
Genome position (GRCh38, 1-based): chr4:154,585,711, C>T on the plus strand (G>A on the coding strand, the complement: FGA is on the minus strand). VCF-style: chr4-154585711-C-T. GRCh37 (hg19) VCF-style: chr4-155506863-C-T.
Other names: c.1718G>A, p.Arg573His (NM_000508.5); short protein forms R573H.
Identifiers: ClinVar variation 900380 (VCV000900380.5), dbSNP rs78506343, ClinGen allele CA3115044.

ClinVar aggregate classification (germline): Conflicting classifications of pathogenicity. Review status: criteria provided, conflicting classifications (1 of 4 stars). 3 submissions from 2 submitters: Uncertain significance (2); Benign (1). Last evaluated 2024-04-16.

Conditions:
Congenital afibrinogenemia. Identifiers: Orphanet 335, Orphanet 98880, MedGen C2584774, MONDO:0008737, OMIM 202400.
Familial dysfibrinogenemia. Also called: Dysfibrinogenemia, congenital. Identifiers: Orphanet 335, Orphanet 98881, MedGen C0272350, MONDO:0014452, OMIM 616004.
Familial visceral amyloidosis, Ostertag type (AMYLD2). Also called: AMYLOIDOSIS VIII; AMYLOIDOSIS, HEREDITARY SYSTEMIC 2; Hereditary Renal Amyloidosis; Ostertag type amyloidosis; Amyloidosis, hepatic and systemic; Familial visceral amyloidosis. Identifiers: Orphanet 85450, MedGen C0268389, MONDO:0007099, OMIM 105200.

Allele frequency attached by ClinVar (database versions not stated): gnomAD 0.00003; TOPMed 0.00005; ExAC 0.00006.

Submissions (3):

Fulgent Genetics
Classification: Uncertain significance for Familial visceral amyloidosis, Ostertag type; Congenital afibrinogenemia; Familial dysfibrinogenemia. Last evaluated: 2024-04-16. Review status: criteria provided, single submitter. Criteria: ACMG Guidelines, 2015. Collection method: clinical testing. Allele origin: germline.

Illumina Laboratory Services, Illumina
Classification: Benign for Familial visceral amyloidosis, Ostertag type. Last evaluated: 2017-04-28. Review status: criteria provided, single submitter. Criteria: ICSL Variant Classification Criteria 13 December 2019. Collection method: clinical testing. Allele origin: germline.
Comment: This variant was observed as part of a predisposition screen in an ostensibly healthy population. A literature search was performed for the gene, cDNA change, and amino acid change (where applicable). No publications were found based on this search. Allele frequency data from public databases was too high to be consistent with this variant causing disease. Therefore, this variant is classified as benign.

Illumina Laboratory Services, Illumina
Classification: Uncertain significance for Congenital afibrinogenemia. Last evaluated: 2017-04-28. Review status: criteria provided, single submitter. Criteria: ICSL Variant Classification Criteria 13 December 2019. Collection method: clinical testing. Allele origin: germline.
Comment: This variant was observed as part of a predisposition screen in an ostensibly healthy population. A literature search was performed for the gene, cDNA change, and amino acid change (where applicable). Publications were found based on this search. However, the evidence from the literature, in combination with allele frequency data from public databases where available, was not sufficient to rule this variant in or out of causing disease. Therefore, this variant is classified as a variant of unknown significance.

Literature cited by the submitters: PubMed 19420351 (cited by Illumina Laboratory Services, Illumina).